The following is an entry in ClinVar:

NM_005751.5(AKAP9):c.9579-5C>G

Gene: AKAP9 (A-kinase anchoring protein 9; plus strand). Cytogenetic location: 7q21.2.
Variant type: single nucleotide variant.
Coding change: c.9579-5C>G on transcript NM_005751.5 (MANE Select); 5 bases into the intron before coding-DNA position 9579, C replaced by G.
Molecular consequence: intron variant.
Genome position (GRCh38, 1-based): chr7:92,095,018, C>G. VCF-style: chr7-92095018-C-G. GRCh37 (hg19) VCF-style: chr7-91724332-C-G.
Other names: c.9555-5C>G (NM_147185.3); c.4224-5C>G (NM_001379277.1).
Identifiers: ClinVar variation 2797313 (VCV002797313.3), dbSNP rs1198599178, ClinGen allele CA576293048.

ClinVar aggregate classification (germline): Uncertain significance (1 of 4 stars; one submission).

Conditions:
Long QT syndrome (LQTS). Identifiers: MedGen C0023976, MeSH D008133, MONDO:0002442. Disease mechanism: loss of function. Inheritance: Various modes of inheritance.

Allele frequency attached by ClinVar (database versions not stated): gnomAD exomes 0.00001.
gnomAD v4.1: 11 of 1,613,524 alleles (0.00068%); highest among the groups gnomAD compares: South Asian, 0.012%; no homozygotes.

Submission:

Labcorp Genetics (formerly Invitae), Labcorp
Classification: Uncertain significance for Long QT syndrome. Last evaluated: 2023-08-25. Review status: criteria provided, single submitter. Criteria: Invitae Variant Classification Sherloc (09022015). Collection method: clinical testing. Allele origin: germline.
Comment: This sequence change falls in intron 39 of the AKAP9 gene. It does not directly change the encoded amino acid sequence of the AKAP9 protein. This variant is present in population databases (no rsID available, gnomAD 0.003%). This variant has not been reported in the literature in individuals affected with AKAP9-related conditions. Algorithms developed to predict the effect of sequence changes on RNA splicing suggest that this variant may create or strengthen a splice site. In summary, the available evidence is currently insufficient to determine the role of this variant in disease. Therefore, it has been classified as a Variant of Uncertain Significance.